The following is an entry in ClinVar:

ClinVar aggregate classification (germline): Uncertain significance (1 of 4 stars; one submission).

Submission:

GeneDx
Classification: Uncertain significance. Last evaluated: 2023-11-30. Review status: criteria provided, single submitter. Criteria: GeneDx Variant Classification Process June 2021. Collection method: clinical testing. Allele origin: germline. Affected: yes.
Comment: Not observed at significant frequency in large population cohorts (gnomAD); In silico analysis supports that this missense variant does not alter protein structure/function; Has not been previously published as pathogenic or benign to our knowledge

NM_001009944.3(PKD1):c.12011A>G (p.Gln4004Arg)

Gene: PKD1 (polycystin 1, transient receptor potential channel interacting; minus strand). Cytogenetic location: 16p13.3.
Variant type: single nucleotide variant.
Coding change: c.12011A>G on transcript NM_001009944.3 (MANE Select); coding-DNA position 12011, A replaced by G.
Protein change: p.Gln4004Arg; replaces glutamine 4004 with arginine.
Molecular consequence: missense variant.
Genome position (GRCh38, 1-based): chr16:2,090,801, T>C on the plus strand (A>G on the coding strand, the complement: PKD1 is on the minus strand). VCF-style: chr16-2090801-T-C. GRCh37 (hg19) VCF-style: chr16-2140802-T-C.
Other names: c.12008A>G, p.Gln4003Arg (NM_000296.4); short protein forms Q4003R, Q4004R.
Identifiers: ClinVar variation 3364850 (VCV003364850.1).